The following is an entry in ClinVar:

ClinVar aggregate classification (germline): Uncertain significance (1 of 4 stars; one submission).

Conditions:
Hereditary cancer-predisposing syndrome. Also called: Neoplastic Syndromes, Hereditary; Tumor predisposition; Hereditary Cancer Syndrome; Hereditary neoplastic syndrome. Identifiers: Orphanet 140162, MedGen C0027672, MeSH D009386, MONDO:0015356.

gnomAD v4.1: 1 of 1,614,058 alleles (0.000062%); highest among the groups gnomAD compares: Non-Finnish European, 0.000085%; no homozygotes.

Submission:

Ambry Genetics
Classification: Uncertain significance for Hereditary cancer-predisposing syndrome. Last evaluated: 2026-05-04. Review status: criteria provided, single submitter. Criteria: Ambry Variant Classification Scheme 2023. Collection method: clinical testing. Allele origin: germline.
Comment: The p.E1396V variant (also known as c.4187A>T), located in coding exon 20 of the MET gene, results from an A to T substitution at nucleotide position 4187. The glutamic acid at codon 1396 is replaced by valine, an amino acid with dissimilar properties. This amino acid position is conserved. In addition, this alteration is predicted to be tolerated by in silico analysis. Based on the available evidence, the clinical significance of this variant remains unclear.

NM_000245.4(MET):c.4133A>T (p.Glu1378Val)

Gene: MET (MET proto-oncogene, receptor tyrosine kinase; plus strand). Cytogenetic location: 7q31.2.
Variant type: single nucleotide variant.
Coding change: c.4133A>T on transcript NM_000245.4 (MANE Select); coding-DNA position 4133, A replaced by T.
Protein change: p.Glu1378Val; replaces glutamic acid 1378 with valine.
Molecular consequence: missense variant.
Genome position (GRCh38, 1-based): chr7:116,796,084, A>T. VCF-style: chr7-116796084-A-T. GRCh37 (hg19) VCF-style: chr7-116436138-A-T.
Other names: c.4187A>T, p.Glu1396Val (NM_001127500.3); c.2843A>T, p.Glu948Val (NM_001324402.2); short protein forms E1378V, E1396V, E948V.
Identifiers: ClinVar variation 4859982 (VCV004859982.1).